The following is an entry in ClinVar:

NM_000089.4(COL1A2):c.226-6C>A

Gene: COL1A2 (collagen type I alpha 2 chain; plus strand). Cytogenetic location: 7q21.3.
Variant type: single nucleotide variant.
Coding change: c.226-6C>A on transcript NM_000089.4 (MANE Select); 6 bases into the intron before coding-DNA position 226, C replaced by A.
Molecular consequence: intron variant.
Genome position (GRCh38, 1-based): chr7:94,401,561, C>A. VCF-style: chr7-94401561-C-A. GRCh37 (hg19) VCF-style: chr7-94030873-C-A.
Identifiers: ClinVar variation 723642 (VCV000723642.18), dbSNP rs199616511, ClinGen allele CA4346585.

ClinVar aggregate classification (germline): Benign/Likely benign. Review status: criteria provided, multiple submitters, no conflicts (2 of 4 stars). 5 submissions from 5 submitters: Benign (1); Likely benign (3). 1 of the submissions does not count toward it. Last evaluated 2026-01-11.

Conditions:
COL1A2-related disorder. Also called: COL1A2-Related Disorders; COL1A2-related condition.
Ehlers-Danlos syndrome, classic type, 1 (EDSCL1). Also called: Ehlers-Danlos Syndrome, Classic Type, COL5A1-Related; EHLERS-DANLOS SYNDROME, GRAVIS TYPE; EHLERS-DANLOS SYNDROME, SEVERE CLASSIC TYPE; EDS I; Ehlers-Danlos syndrome, type 1. Identifiers: MedGen C0268335, MONDO:0019567, OMIM 130000.
Osteogenesis imperfecta type I (OI1). Also called: OI, TYPE I; OSTEOGENESIS IMPERFECTA TARDA; OSTEOGENESIS IMPERFECTA WITH BLUE SCLERAE; Osteogenesis imperfecta type 1; Lobstein disease; Classic Non-deforming Osteogenesis Imperfecta with Blue Sclerae. Identifiers: Orphanet 216796, Orphanet 666, MedGen C0023931, MONDO:0008146, OMIM 166200. Disease mechanism: loss of function.

Allele frequency attached by ClinVar (database versions not stated): gnomAD 0.00013 and 0.00014; gnomAD exomes 0.00013.
gnomAD v4.1: 183 of 1,383,186 alleles (0.013%); highest among the groups gnomAD compares: Non-Finnish European, 0.0044%; 3 homozygotes.

Submissions (5):

Labcorp Genetics (formerly Invitae), Labcorp
Classification: Benign for Osteogenesis imperfecta type I; Ehlers-Danlos syndrome, classic type, 1. Last evaluated: 2026-01-11. Review status: criteria provided, single submitter. Criteria: Invitae Variant Classification Sherloc (09022015). Collection method: clinical testing. Allele origin: germline.

Women's Health and Genetics/Laboratory Corporation of America, LabCorp
Classification: Likely benign. Last evaluated: 2024-06-21. Review status: criteria provided, single submitter. Criteria: LabCorp Variant Classification Summary - May 2015. Collection method: clinical testing. Allele origin: germline.
Comment: Variant summary: COL1A2 c.226-6C>A alters a non-conserved nucleotide located close to a canonical splice site and therefore could affect mRNA splicing, leading to a significantly altered protein sequence. Consensus agreement among computation tools predict no significant impact on normal splicing. However, these predictions have yet to be confirmed by functional studies. The variant allele was found at a frequency of 0.00013 in 1383186 control chromosomes in the gnomAD database, including 3 homozygotes. The observed variant frequency is approximately 26-fold of the estimated maximal expected allele frequency for a pathogenic variant in COL1A2 causing Ehlers-Danlos Syndrome phenotype (5e-06). To our knowledge, no occurrence of c.226-6C>A in individuals affected with Ehlers-Danlos Syndrome and no experimental evidence demonstrating its impact on protein function have been reported. ClinVar contains an entry for this variant (Variation ID: 723642). Based on the evidence outlined above, the variant was classified as likely benign.

Blueprint Genetics
Classification: Likely benign. Last evaluated: 2024-01-26. Review status: criteria provided, single submitter. Criteria: ACMG Guidelines, 2015. Collection method: clinical testing. Allele origin: germline.

GeneDx
Classification: Likely benign. Last evaluated: 2021-06-08. Review status: criteria provided, single submitter. Criteria: GeneDx Variant Classification Process June 2021. Collection method: clinical testing. Allele origin: germline. Affected: yes.

PreventionGenetics, part of Exact Sciences
Classification: Likely benign for COL1A2-related condition. Last evaluated: 2020-01-29. Review status: no assertion criteria provided. Collection method: clinical testing. Allele origin: germline. Not counted in ClinVar's aggregate classification.
Comment: This variant is classified as likely benign based on ACMG/AMP sequence variant interpretation guidelines (Richards et al. 2015 PMID: 25741868, with internal and published modifications).